The following is an entry in ClinVar:

NM_000263.4(NAGLU):c.345_347del (p.Ala116del)

Gene: NAGLU (N-acetyl-alpha-glucosaminidase; plus strand). Cytogenetic location: 17q21.2.
Variant type: Deletion.
Coding change: c.345_347del on transcript NM_000263.4 (MANE Select); coding-DNA positions 345 to 347, 3 bases deleted (AGC; older notation c.345_347delAGC).
Protein change: p.Ala116del; deletes alanine 116.
Molecular consequence: inframe deletion.
Genome position (GRCh38, 1-based): chr17:42,536,617-42,536,619, AGC deleted; deleting any 3 consecutive bases within chr17:42,536,616-42,536,619 gives the same sequence; the c. name uses the placement nearest the transcript's 3' end. VCF-style (leftmost placement, unchanged base first): chr17-42536615-CCAG-C. GRCh37 (hg19) VCF-style: chr17-40688633-CCAG-C.
Other names: short protein forms A116del.
Identifiers: ClinVar variation 3759671 (VCV003759671.2).

ClinVar aggregate classification (germline): Uncertain significance (1 of 4 stars; one submission).

Conditions:
Charcot-Marie-Tooth disease axonal type 2V. Also called: CHARCOT-MARIE-TOOTH NEUROPATHY, TYPE 2V; CHARCOT-MARIE-TOOTH DISEASE, AXONAL, AUTOSOMAL DOMINANT, TYPE 2V. Identifiers: Orphanet 447964, MedGen C5569050, MONDO:0014665, OMIM 616491.
Mucopolysaccharidosis, MPS-III-B (MPS3B). Also called: N-ACETYL-ALPHA-D-GLUCOSAMINIDASE DEFICIENCY; NAGLU DEFICIENCY; SANFILIPPO SYNDROME B; MPS III B; Mucopolysaccharidosis type IIIB (Sanfilippo B); MUCOPOLYSACCHARIDOSIS, TYPE IIIB. Identifiers: Orphanet 79270, MedGen C0086648, MONDO:0009656, OMIM 252920.

Submission:

Labcorp Genetics (formerly Invitae), Labcorp
Classification: Uncertain significance for Charcot-Marie-Tooth disease axonal type 2V; Mucopolysaccharidosis, MPS-III-B. Last evaluated: 2024-11-02. Review status: criteria provided, single submitter. Criteria: Invitae Variant Classification Sherloc (09022015). Collection method: clinical testing. Allele origin: germline.
Comment: This variant, c.345_347del, results in the deletion of 1 amino acid(s) of the NAGLU protein (p.Ala116del), but otherwise preserves the integrity of the reading frame. This variant is not present in population databases (gnomAD no frequency). This variant has not been reported in the literature in individuals affected with NAGLU-related conditions. Experimental studies and prediction algorithms are not available or were not evaluated, and the functional significance of this variant is currently unknown. In summary, the available evidence is currently insufficient to determine the role of this variant in disease. Therefore, it has been classified as a Variant of Uncertain Significance.